The following is an entry in ClinVar:

ClinVar aggregate classification (germline): Likely benign. Review status: criteria provided, multiple submitters, no conflicts (2 of 4 stars). 5 submissions from 5 submitters: Likely benign (4). 1 of the submissions does not count toward it. Last evaluated 2025-09-14.

Conditions:
Malignant hyperthermia, susceptibility to, 1 (MHS1). Also called: RYR1-Related Malignant Hyperthermia Susceptibility; Malignant hyperthermia suceptibility 1; Anesthesia related hyperthermia; Malignant hyperpyrexia; Fulminating hyperpyrexia; Pharmacogenic myopathy. Identifiers: Orphanet 423, MedGen C2930980, MONDO:0007783, OMIM 145600.
RYR1-related disorder. Also called: RYR1-related condition; RYR1-related disorders. Identifiers: MedGen CN239331.

Allele frequency attached by ClinVar (database versions not stated): ExAC 0.00005; gnomAD exomes 0.00006; ESP Exome Variant Server 0.00008; gnomAD 0.00009; TOPMed 0.00009.
gnomAD v4.1: 192 of 1,611,780 alleles (0.012%); highest among the groups gnomAD compares: South Asian, 0.025%; no homozygotes.

Submissions (5):

Labcorp Genetics (formerly Invitae), Labcorp
Classification: Likely benign for RYR1-related disorder. Last evaluated: 2025-09-14. Review status: criteria provided, single submitter. Criteria: Invitae Variant Classification Sherloc (09022015). Collection method: clinical testing. Allele origin: germline.

Blueprint Genetics
Classification: Likely benign. Last evaluated: 2024-10-02. Review status: criteria provided, single submitter. Criteria: ACMG Guidelines, 2015. Collection method: clinical testing. Allele origin: germline.

All of Us Research Program, National Institutes of Health
Classification: Likely benign for Malignant hyperthermia, susceptibility to, 1. Last evaluated: 2024-01-03. Review status: criteria provided, single submitter. Criteria: ACMG Guidelines, 2015. Collection method: clinical testing. Allele origin: germline. Inheritance: Autosomal dominant inheritance. Observed: 20 variant alleles, 20 heterozygotes.
Comment: This study involves interpretation of variants in research participants for the purpose of population health screening. Participant phenotype was not available at the time of variant classification. Additional details can be found in publication PMID: 35346344, PMCID: PMC8962531

Color Diagnostics, LLC DBA Color Health
Classification: Likely benign for Malignant hyperthermia, susceptibility to, 1. Last evaluated: 2022-11-06. Review status: criteria provided, single submitter. Criteria: ACMG Guidelines, 2015. Collection method: clinical testing. Allele origin: germline.

PreventionGenetics, part of Exact Sciences
Classification: Likely benign for RYR1-related condition. Last evaluated: 2023-02-02. Review status: no assertion criteria provided. Collection method: clinical testing. Allele origin: germline. Not counted in ClinVar's aggregate classification.
Comment: This variant is classified as likely benign based on ACMG/AMP sequence variant interpretation guidelines (Richards et al. 2015 PMID: 25741868, with internal and published modifications).

NM_000540.3(RYR1):c.7869G>A (p.Leu2623=)

Gene: RYR1 (ryanodine receptor 1; plus strand). Cytogenetic location: 19q13.2.
Variant type: single nucleotide variant.
Coding change: c.7869G>A on transcript NM_000540.3 (MANE Select); coding-DNA position 7869, G replaced by A.
Protein change: p.Leu2623=; no amino-acid change (leucine 2623 retained).
Molecular consequence: synonymous variant.
Genome position (GRCh38, 1-based): chr19:38,502,913, G>A. VCF-style: chr19-38502913-G-A. GRCh37 (hg19) VCF-style: chr19-38993553-G-A.
Other names: c.7869G>A, p.Leu2623= (NM_001042723.2).
Identifiers: ClinVar variation 544460 (VCV000544460.15), dbSNP rs375632461, ClinGen allele CA070899.